The following is an entry in ClinVar:

NM_015299.3(KHNYN):c.900A>G (p.Ala300=)

Gene: KHNYN (KH and NYN domain containing; plus strand). Cytogenetic location: 14q12.
Variant type: single nucleotide variant.
Coding change: c.900A>G on transcript NM_015299.3 (MANE Select); coding-DNA position 900, A replaced by G.
Protein change: p.Ala300=; no amino-acid change (alanine 300 retained).
Molecular consequence: synonymous variant.
Genome position (GRCh38, 1-based): chr14:24,432,161, A>G. VCF-style: chr14-24432161-A-G. GRCh37 (hg19) VCF-style: chr14-24901367-A-G.
Other names: c.1023A>G, p.Ala341= (NM_001290256.2); c.900A>G, p.Ala300= (NM_001290257.2).
Identifiers: ClinVar variation 2644143 (VCV002644143.24), dbSNP rs138879528, ClinGen allele CA7138102.

ClinVar aggregate classification (germline): Likely benign (1 of 4 stars; one submission).

Allele frequency attached by ClinVar (database versions not stated): gnomAD 0.00010; TOPMed 0.00011; ESP Exome Variant Server 0.00015; ExAC 0.00016.

Submission:

CeGaT Center for Human Genetics Tuebingen
Classification: Likely benign. Last evaluated: 2022-08-01. Review status: criteria provided, single submitter. Criteria: CeGaT Center For Human Genetics Tuebingen Variant Classification Criteria Version 2. Collection method: clinical testing. Allele origin: germline. Affected: yes. Observed: 1 variant allele.
Comment: KHNYN: BP4, BP7